The following is an entry in ClinVar:

ClinVar aggregate classification (germline): Uncertain significance (1 of 4 stars; one submission).

Conditions:
Epidermolysis bullosa simplex 3, localized or generalized intermediate, with BP230 deficiency (EBS3). Also called: Epidermolysis bullosa simplex due to BP230 deficiency; Epidermolysis bullosa simplex, autosomal recessive 2. Identifiers: Orphanet 412181, MedGen C3809470, MONDO:0014180, OMIM 615425.
Hereditary sensory and autonomic neuropathy type 6. Also called: HSAN VI; Neuropathy, hereditary sensory and autonomic, type VI. Identifiers: Orphanet 314381, MedGen C3539003, MONDO:0013839, OMIM 614653.

Allele frequency attached by ClinVar (database versions not stated): gnomAD exomes below 0.00001; ExAC 0.00002.

Submission:

Labcorp Genetics (formerly Invitae), Labcorp
Classification: Uncertain significance for Epidermolysis bullosa simplex 3, localized or generalized intermediate, with BP230 deficiency; Hereditary sensory and autonomic neuropathy type 6. Last evaluated: 2021-03-06. Review status: criteria provided, single submitter. Criteria: Invitae Variant Classification Sherloc (09022015). Collection method: clinical testing. Allele origin: germline.
Comment: In summary, the available evidence is currently insufficient to determine the role of this variant in disease. Therefore, it has been classified as a Variant of Uncertain Significance. Algorithms developed to predict the effect of missense changes on protein structure and function (SIFT, PolyPhen-2, Align-GVGD) all suggest that this variant is likely to be tolerated, but these predictions have not been confirmed by published functional studies and their clinical significance is uncertain. This variant has not been reported in the literature in individuals with DST-related conditions. This variant is present in population databases (rs779486214, ExAC 0.009%). This sequence change replaces alanine with threonine at codon 2214 of the DST protein (p.Ala2214Thr). The alanine residue is highly conserved and there is a small physicochemical difference between alanine and threonine.

NM_001723.7(DST):c.6640G>A (p.Ala2214Thr)

Gene: DST (dystonin; minus strand). Cytogenetic location: 6p12.1.
Variant type: single nucleotide variant.
Coding change: c.6640G>A on transcript NM_001723.7 (MANE Plus Clinical); coding-DNA position 6640, G replaced by A.
Protein change: p.Ala2214Thr; replaces alanine 2214 with threonine.
Molecular consequence: missense variant. On other transcripts: intron variant (10).
Genome position (GRCh38, 1-based): chr6:56,616,827, C>T on the plus strand (G>A on the coding strand, the complement: DST is on the minus strand). VCF-style: chr6-56616827-C-T. GRCh37 (hg19) VCF-style: chr6-56481625-C-T.
Other names: c.4831-2343G>A (NM_001144769.5); c.4930-2343G>A (NM_001374722.1, NM_001374736.1); c.4957-2343G>A (NM_001374734.1); c.4417-2343G>A (NM_001144770.2); c.4297-2343G>A (NM_001374730.1, NM_001386100.1, NM_183380.4 and 1 more transcripts); c.3319-2343G>A (NM_015548.5); short protein forms A2214T.
Identifiers: ClinVar variation 1011364 (VCV001011364.11), dbSNP rs779486214, ClinGen allele CA3870121.